The following is an entry in ClinVar:

NM_021954.4(GJA3):c.543C>T (p.Cys181=)

Gene: GJA3 (gap junction protein alpha 3; minus strand). Cytogenetic location: 13q12.11.
Variant type: single nucleotide variant.
Coding change: c.543C>T on transcript NM_021954.4 (MANE Select); coding-DNA position 543, C replaced by T.
Protein change: p.Cys181=; no amino-acid change (cysteine 181 retained).
Molecular consequence: synonymous variant.
Genome position (GRCh38, 1-based): chr13:20,142,746, G>A on the plus strand (C>T on the coding strand, the complement: GJA3 is on the minus strand). VCF-style: chr13-20142746-G-A. GRCh37 (hg19) VCF-style: chr13-20716885-G-A.
Identifiers: ClinVar variation 261458 (VCV000261458.18), dbSNP rs74607195, ClinGen allele CA6904096.

ClinVar aggregate classification (germline): Benign. Review status: criteria provided, multiple submitters, no conflicts (2 of 4 stars). 5 submissions from 5 submitters: Benign (5). Last evaluated 2026-01-28.

Conditions:
Cataract 14 multiple types. Also called: CATARACT 14, ZONULAR PULVERULENT; CATARACT 14, NUCLEAR PULVERULENT; CATARACT 14, NUCLEAR PULVERULENT AND POSTERIOR POLAR; CATARACT 14, NUCLEAR CORALLIFORM; CATARACT 14, EMBRYONAL NUCLEAR; CATARACT 14, COPPOCK-LIKE. Identifiers: Orphanet 91492, MedGen C1866078, MONDO:0011162, OMIM 601885.

Allele frequency attached by ClinVar (database versions not stated): 1000 Genomes Project 30x 0.01109; 1000 Genomes Project 0.01218; TOPMed 0.02201; ESP Exome Variant Server 0.02568; gnomAD 0.03266 and 0.03391; gnomAD exomes 0.03421 and 0.03570; ExAC 0.03490.
gnomAD v4.1: 56,671 of 1,613,678 alleles (3.5%); highest among the groups gnomAD compares: Non-Finnish European, 3.7%; 1,469 homozygotes.

Submissions (5):

Labcorp Genetics (formerly Invitae), Labcorp
Classification: Benign for Cataract 14 multiple types. Last evaluated: 2026-01-28. Review status: criteria provided, single submitter. Criteria: Invitae Variant Classification Sherloc (09022015). Collection method: clinical testing. Allele origin: germline.

GeneDx
Classification: Benign. Last evaluated: 2018-08-17. Review status: criteria provided, single submitter. Criteria: GeneDx Variant Classification Process June 2021. Collection method: clinical testing. Allele origin: germline. Affected: yes.

Illumina Laboratory Services, Illumina
Classification: Benign for Cataract 14 multiple types. Last evaluated: 2018-01-13. Review status: criteria provided, single submitter. Criteria: ICSL Variant Classification Criteria 13 December 2019. Collection method: clinical testing. Allele origin: germline.
Comment: This variant was observed in the ICSL laboratory as part of a predisposition screen in an ostensibly healthy population. It had not been previously curated by ICSL or reported in the Human Gene Mutation Database (HGMD: prior to June 1st, 2018), and was therefore a candidate for classification through an automated scoring system. Utilizing variant allele frequency, disease prevalence and penetrance estimates, and inheritance mode, an automated score was calculated to assess if this variant is too frequent to cause the disease. Based on the score and internal cut-off values, a variant classified as benign is not then subjected to further curation. The score for this variant resulted in a classification of benign for this disease.

Breakthrough Genomics
Classification: Benign. Review status: criteria provided, single submitter. Criteria: ACMG Guidelines, 2015. Collection method: not provided. Allele origin: germline. Inheritance: Autosomal dominant inheritance. Affected: yes.

PreventionGenetics, part of Exact Sciences
Classification: Benign. Review status: criteria provided, single submitter. Criteria: ACMG Guidelines, 2015. Collection method: clinical testing. Allele origin: germline.